The following is an entry in ClinVar:

NM_005751.5(AKAP9):c.2917A>G (p.Ile973Val)

Gene: AKAP9 (A-kinase anchoring protein 9; plus strand). Cytogenetic location: 7q21.2.
Variant type: single nucleotide variant.
Coding change: c.2917A>G on transcript NM_005751.5 (MANE Select); coding-DNA position 2917, A replaced by G.
Protein change: p.Ile973Val; replaces isoleucine 973 with valine.
Molecular consequence: missense variant.
Genome position (GRCh38, 1-based): chr7:92,002,834, A>G. VCF-style: chr7-92002834-A-G. GRCh37 (hg19) VCF-style: chr7-91632148-A-G.
Other names: c.2917A>G, p.Ile973Val (NM_147185.3); short protein forms I973V.
Identifiers: ClinVar variation 1797637 (VCV001797637.2), dbSNP rs1317491861, ClinGen allele CA368125220.

ClinVar aggregate classification (germline): Uncertain significance (1 of 4 stars; one submission).

Conditions:
Cardiovascular phenotype. Identifiers: MedGen CN230736.

Allele frequency attached by ClinVar (database versions not stated): gnomAD exomes below 0.00001.
gnomAD v4.1: 6 of 1,613,528 alleles (0.00037%); highest among the groups gnomAD compares: South Asian, 0.0066%; no homozygotes.

Submission:

Ambry Genetics
Classification: Uncertain significance for Cardiovascular phenotype. Last evaluated: 2021-07-01. Review status: criteria provided, single submitter. Criteria: Ambry Variant Classification Scheme 2023. Collection method: clinical testing. Allele origin: germline.
Comment: The p.I973V variant (also known as c.2917A>G), located in coding exon 8 of the AKAP9 gene, results from an A to G substitution at nucleotide position 2917. The isoleucine at codon 973 is replaced by valine, an amino acid with highly similar properties. This amino acid position is conserved. In addition, this alteration is predicted to be tolerated by in silico analysis. Since supporting evidence is limited at this time, the clinical significance of this alteration remains unclear.